The following is an entry in ClinVar:

NM_030665.4(RAI1):c.4514G>A (p.Gly1505Asp)

Gene: RAI1 (retinoic acid induced 1; plus strand). Cytogenetic location: 17p11.2.
Variant type: single nucleotide variant.
Coding change: c.4514G>A on transcript NM_030665.4 (MANE Select); coding-DNA position 4514, G replaced by A.
Protein change: p.Gly1505Asp; replaces glycine 1505 with aspartic acid.
Molecular consequence: missense variant.
Genome position (GRCh38, 1-based): chr17:17,797,462, G>A. VCF-style: chr17-17797462-G-A. GRCh37 (hg19) VCF-style: chr17-17700776-G-A.
Other names: short protein forms G1505D.
Identifiers: ClinVar variation 3606592 (VCV003606592.2).
Genomic context (GRCh38, chr17:17,797,462, plus strand): 5'-AAGGGGCCAGTGAGGACAACTCTGGTGGAGGAGGCAAGAAGCCAAAGATGGAGGAGCTGG[G>A]CCTGGCCTCCCAGCCCCCGGAGGGCAGGCCCTGCCAGCCCCAGACAAGGGCACAGAAACA-3'
Protein context (NP_109590.3, residues 1495-1515): GGKKPKMEEL[Gly1505Asp]LASQPPEGRP

ClinVar aggregate classification (germline): Uncertain significance (1 of 4 stars; one submission).

Submission:

Labcorp Genetics (formerly Invitae), Labcorp
Classification: Uncertain significance. Last evaluated: 2024-07-24. Review status: criteria provided, single submitter. Criteria: Invitae Variant Classification Sherloc (09022015). Collection method: clinical testing. Allele origin: germline.
Comment: This sequence change replaces glycine, which is neutral and non-polar, with aspartic acid, which is acidic and polar, at codon 1505 of the RAI1 protein (p.Gly1505Asp). This variant is present in population databases (rs777846731, gnomAD 0.003%). This variant has not been reported in the literature in individuals affected with RAI1-related conditions. Advanced modeling of protein sequence and biophysical properties (such as structural, functional, and spatial information, amino acid conservation, physicochemical variation, residue mobility, and thermodynamic stability) performed at Invitae indicates that this missense variant is not expected to disrupt RAI1 protein function with a negative predictive value of 80%. In summary, the available evidence is currently insufficient to determine the role of this variant in disease. Therefore, it has been classified as a Variant of Uncertain Significance.